The following is an entry in ClinVar:

ClinVar aggregate classification (germline): Pathogenic. Review status: criteria provided, multiple submitters, no conflicts (2 of 4 stars). 2 submissions from 2 submitters: Pathogenic (2). Last evaluated 2026-05-28.

Conditions:
Multiple endocrine neoplasia, type 1 (MEN1). Also called: MEN I; WERMER SYNDROME; Endocrine adenomatosis multiple; MEN 1; MEA I. Identifiers: Orphanet 652, MedGen C0025267, MeSH D018761, MONDO:0007540, OMIM 131100.

Submissions (2):

Women's Health and Genetics/Laboratory Corporation of America, LabCorp
Classification: Pathogenic for Multiple endocrine neoplasia, type 1. Last evaluated: 2026-05-28. Review status: criteria provided, single submitter. Criteria: LabCorp Variant Classification Summary - May 2015. Collection method: clinical testing. Allele origin: germline.
Comment: Variant summary: MEN1 c.1435_1441delCGGCGGC (p.Arg479GlyfsX78) results in a premature termination codon, predicted to cause a truncation of the encoded protein or absence of the protein due to nonsense mediated decay, which are commonly known mechanisms for disease. This variant disrupts a region of the MEN1 protein in which other variant(s) (p.Lys559Glufs*38) have been determined to be pathogenic (PMID: 10090472; Internal data). This suggests that this is a clinically significant region of the protein, and that variants that disrupt it are likely to be disease-causing. This variant disrupts the NLS2 domain of the MEN1 protein, which is important for DNA binding and repression of cell proliferation (PMID: 15331604, 16449969). The variant was absent in 222302 control chromosomes. To our knowledge, no occurrence of c.1435_1441delCGGCGGC in individuals affected with MEN1-related conditions and no experimental evidence demonstrating its impact on protein function have been reported. ClinVar contains an entry for this variant (Variation ID: 1372620). Based on the evidence outlined above, the variant was classified as pathogenic.

Labcorp Genetics (formerly Invitae), Labcorp
Classification: Pathogenic for Multiple endocrine neoplasia, type 1. Last evaluated: 2022-05-16. Review status: criteria provided, single submitter. Criteria: Invitae Variant Classification Sherloc (09022015). Collection method: clinical testing. Allele origin: germline.
Comment: This variant disrupts a region of the MEN1 protein in which other variant(s) (p.Lys559Glufs*38) have been determined to be pathogenic (PMID: 10090472; Invitae). This suggests that this is a clinically significant region of the protein, and that variants that disrupt it are likely to be disease-causing. For these reasons, this variant has been classified as Pathogenic. This variant disrupts the NLS2 domain of the MEN1 protein, which is important for DNA binding and repression of cell proliferation (PMID: 15331604, 16449969). While functional studies have not been performed to directly test the effect of this variant on MEN1 protein function, this suggests that disruption of this region of the protein is causative of disease. This sequence change creates a premature translational stop signal (p.Arg479Glyfs*78) in the MEN1 gene. While this is not anticipated to result in nonsense mediated decay, it is expected to disrupt the last 132 amino acid(s) of the MEN1 protein. This variant is not present in population databases (gnomAD no frequency). This variant has not been reported in the literature in individuals affected with MEN1-related conditions.

Literature cited by the submitters: PubMed 10090472 (cited by Labcorp Genetics (formerly Invitae), Labcorp); PubMed 15331604 (cited by Labcorp Genetics (formerly Invitae), Labcorp); PubMed 16449969 (cited by Labcorp Genetics (formerly Invitae), Labcorp).

NM_001370259.2(MEN1):c.1435_1441del (p.Arg479fs)

Gene: MEN1 (menin 1; minus strand). Cytogenetic location: 11q13.1.
Variant type: Deletion.
Coding change: c.1435_1441del on transcript NM_001370259.2 (MANE Select); coding-DNA positions 1435 to 1441, 7 bases deleted (CGGCGGC; older notation c.1435_1441delCGGCGGC).
Protein change: p.Arg479fs; shifts the reading frame from arginine 479.
Molecular consequence: frameshift variant.
Genome position (GRCh38, 1-based): chr11:64,804,726-64,804,732, GCCGCCG deleted on the plus strand (CGGCGGC on the coding strand, the reverse complement: MEN1 is on the minus strand); deleting any 7 consecutive bases within chr11:64,804,726-64,804,735 gives the same sequence; the c. name uses the placement nearest the transcript's 3' end. VCF-style (leftmost placement, unchanged base first): chr11-64804725-CGCCGCCG-C. GRCh37 (hg19) VCF-style: chr11-64572197-CGCCGCCG-C.
Other names: c.1435_1441delCGGCGGC (NM_130799.3); c.1450_1456del, p.Arg484fs (NM_130804.3, NM_000244.4, NM_130800.3 and 3 more transcripts); c.1561_1567del, p.Arg521fs (NM_001370251.2); c.1435_1441del, p.Arg479fs (NM_001370260.2, NM_001370261.2, NM_130799.3); c.1330_1336del, p.Arg444fs (NM_001370262.2, NM_001370263.2); short protein forms R479fs, R521fs, R444fs, R484fs.
Identifiers: ClinVar variation 1372620 (VCV001372620.8), dbSNP rs2136089949, ClinGen allele CA2573147437.
Genomic context (GRCh38, chr11:64,804,725, plus strand): 5'-TCCAGTGCTGGCTTCTTGGGCGGCGGGGGCTCCTCTGGCTTGGACTCCCGCCGTGGGCCC[CGCCGCCG>C]GCCTTCCCGGGCTTCCTCGCCCCACGGCTCCTCGGCCTCGGCCGCCTCGGCCTCTCGGCT-3'